The following is an entry in ClinVar:

NM_014319.5(LEMD3):c.2167del (p.Ala724fs)

Gene: LEMD3 (LEM domain containing 3; plus strand). Cytogenetic location: 12q14.3.
Variant type: Deletion.
Coding change: c.2167del on transcript NM_014319.5 (MANE Select); coding-DNA position 2167, one base deleted (C; older notation c.2167delC).
Protein change: p.Ala724fs; shifts the reading frame from alanine 724.
Molecular consequence: frameshift variant.
Genome position (GRCh38, 1-based): chr12:65,240,949, C deleted; the last of 2 consecutive C bases (chr12:65,240,948-65,240,949); deleting either gives the same sequence. VCF-style (leftmost placement, unchanged base first): chr12-65240947-TC-T. GRCh37 (hg19) VCF-style: chr12-65634727-TC-T.
Other names: c.2164del, p.Ala723fs (NM_001167614.2); short protein forms A724fs, A723fs.
Identifiers: ClinVar variation 4715808 (VCV004715808.1).
Genomic context (GRCh38, chr12:65,240,947, plus strand): 5'-TGCCATTTTGTTCACATGATAGGAAAAAAATGAAGAAAGTCTGGGATAGAGCTGTTGACT[TC>T]CTTGCTGCTAATGAGTCTAGAGTTCGCACGGAAACACGAAGAATAGGTGGTGCAGATTTT-3'

ClinVar aggregate classification (germline): Pathogenic (1 of 4 stars; one submission).

Submission:

Labcorp Genetics (formerly Invitae), Labcorp
Classification: Pathogenic. Last evaluated: 2025-03-24. Review status: criteria provided, single submitter. Criteria: Invitae Variant Classification Sherloc (09022015). Collection method: clinical testing. Allele origin: germline.
Comment: This sequence change creates a premature translational stop signal (p.Ala724Leufs*14) in the LEMD3 gene. It is expected to result in an absent or disrupted protein product. Loss-of-function variants in LEMD3 are known to be pathogenic (PMID: 15489854, 19438932). This variant is not present in population databases (gnomAD no frequency). This variant has not been reported in the literature in individuals affected with LEMD3-related conditions. For these reasons, this variant has been classified as Pathogenic.

Literature cited by the submitters: PubMed 15489854; PubMed 19438932.